The following is an entry in ClinVar:

NM_000202.8(IDS):c.404_405del (p.Lys135fs)

Gene: IDS (iduronate 2-sulfatase; minus strand). Cytogenetic location: Xq28.
Variant type: Deletion.
Coding change: c.404_405del on transcript NM_000202.8 (MANE Select); coding-DNA positions 404 to 405, 2 bases deleted (AA; older notation c.404_405delAA).
Protein change: p.Lys135fs; shifts the reading frame from lysine 135.
Molecular consequence: frameshift variant. On other transcripts: non-coding transcript variant (1).
Genome position (GRCh38, 1-based): chrX:149,503,325-149,503,326, TT deleted on the plus strand (AA on the coding strand, the reverse complement: IDS is on the minus strand); deleting any 2 consecutive bases within chrX:149,503,325-149,503,328 gives the same sequence; the c. name uses the placement nearest the transcript's 3' end. VCF-style (leftmost placement, unchanged base first): chrX-149503324-CTT-C. GRCh37 (hg19) VCF-style: chrX-148584854-CTT-C.
Other names: c.134_135del, p.Lys45fs (NM_001166550.4); c.404_405del, p.Lys135fs (NM_006123.5); short protein forms K135fs, K45fs.
Identifiers: ClinVar variation 499561 (VCV000499561.8), dbSNP rs1557340221, ClinGen allele CA658799878.

ClinVar aggregate classification (germline): Pathogenic. Review status: criteria provided, multiple submitters, no conflicts (2 of 4 stars). 3 submissions from 3 submitters: Pathogenic (3). Last evaluated 2024-06-07.

Conditions:
Mucopolysaccharidosis, MPS-II (MPS2). Also called: Attenuated MPS (subtype; formerly known as mild MPS II); Severe MPS II; I2S deficiency; MPS 2; Mucopolysaccharidosis with skin involvement; IDS deficiency. Identifiers: Orphanet 580, Orphanet 79388, MedGen C0026705, MONDO:0010674, OMIM 309900.

Submissions (3):

Laboratory of Diagnosis and Therapy of Lysosomal Disorders, University of Padova
Classification: Pathogenic for Mucopolysaccharidosis, MPS-II. Last evaluated: 2024-06-07. Review status: criteria provided, single submitter. Criteria: ACMG Guidelines, 2015. Collection method: literature only. Allele origin: germline. Affected: yes. Observed: 1 variant allele.
Comment: Null variant (PVS1_VeryStrong), Absent from controls (or at low frequency) in gnomAD database (PM2_Moderate), Patient’s phenotype or family history highly specific for the disease (PP4_Strong)

Classification method: ACMG Guidelines [PMID:25741868] with modifications

Eurofins Ntd Llc (ga)
Classification: Pathogenic. Last evaluated: 2018-08-28. Review status: criteria provided, single submitter. Criteria: EGL ClinVar v180209 classification definitions. Collection method: clinical testing. Allele origin: germline. Observed: 2 variant alleles, 1 heterozygote, 1 hemizygote.

Foundation for Research in Genetics and Endocrinology, FRIGE's Institute of Human Genetics
Classification: Pathogenic for Mucopolysaccharidosis, MPS-II. Review status: criteria provided, single submitter. Criteria: ACMG Guidelines, 2015. Collection method: clinical testing. Allele origin: germline. Inheritance: X-linked recessive inheritance. Affected: yes. Observed: 1 hemizygote.
Comment: The hemizygous frameshift variation in exon 3 of the gene IDS gene. The observed variant has not been reported in the 1000 genomes and gnomAD databases . The in silico prediction of the variant is disease causing by Mutation Taster, and SIFT. . Therefore, the variant meets our criteria to be classified as pathogenic variant.

Literature cited by the submitters: PubMed 33676511 (cited by Laboratory of Diagnosis and Therapy of Lysosomal Disorders, University of Padova).